The following is an entry in ClinVar:

ClinVar aggregate classification (germline): Uncertain significance. Review status: criteria provided, multiple submitters, no conflicts (2 of 4 stars). 4 submissions from 4 submitters: Uncertain significance (4). Last evaluated 2024-12-10.

Conditions:
Familial focal epilepsy with variable foci (FPEVF). Identifiers: Orphanet 98820, MedGen C1858477, MONDO:0020310.

Allele frequency attached by ClinVar (database versions not stated): gnomAD 0.00005 and 0.00004; gnomAD exomes 0.00005 and 0.00003; 1000 Genomes Project 30x 0.00016; 1000 Genomes Project 0.00020; TOPMed 0.00003; ExAC 0.00004; ESP Exome Variant Server 0.00008.
gnomAD v4.1: 55 of 1,613,462 alleles (0.0034%); highest among the groups gnomAD compares: South Asian, 0.022%; no homozygotes.

Submissions (4):

Labcorp Genetics (formerly Invitae), Labcorp
Classification: Uncertain significance for Familial focal epilepsy with variable foci. Last evaluated: 2024-12-10. Review status: criteria provided, single submitter. Criteria: Invitae Variant Classification Sherloc (09022015). Collection method: clinical testing. Allele origin: germline.
Comment: This sequence change replaces tyrosine, which is neutral and polar, with cysteine, which is neutral and slightly polar, at codon 127 of the DEPDC5 protein (p.Tyr127Cys). This variant is present in population databases (rs370881336, gnomAD 0.02%). This variant has not been reported in the literature in individuals affected with DEPDC5-related conditions. ClinVar contains an entry for this variant (Variation ID: 447245). Experimental studies and prediction algorithms are not available or were not evaluated, and the functional significance of this variant is currently unknown. In summary, the available evidence is currently insufficient to determine the role of this variant in disease. Therefore, it has been classified as a Variant of Uncertain Significance.

Revvity Omics, Revvity
Classification: Uncertain significance. Last evaluated: 2024-08-13. Review status: criteria provided, single submitter. Criteria: ACMG Guidelines, 2015. Collection method: clinical testing. Allele origin: germline.

GeneDx
Classification: Uncertain significance. Last evaluated: 2019-07-22. Review status: criteria provided, single submitter. Criteria: GeneDx Variant Classification Process June 2021. Collection method: clinical testing. Allele origin: germline. Affected: yes.
Comment: In silico analysis, which includes protein predictors and evolutionary conservation, supports a deleterious effect; Has not been previously published as pathogenic or benign to our knowledge

Athena Diagnostics
Classification: Uncertain significance. Last evaluated: 2017-09-14. Review status: criteria provided, single submitter. Criteria: Athena Diagnostics Criteria. Collection method: clinical testing. Allele origin: germline.

NM_001242896.3(DEPDC5):c.380A>G (p.Tyr127Cys)

Gene: DEPDC5 (DEP domain containing 5, GATOR1 subcomplex subunit; plus strand). Cytogenetic location: 22q12.2.
Variant type: single nucleotide variant.
Coding change: c.380A>G on transcript NM_001242896.3 (MANE Select); coding-DNA position 380, A replaced by G.
Protein change: p.Tyr127Cys; replaces tyrosine 127 with cysteine.
Molecular consequence: missense variant. On other transcripts: non-coding transcript variant (5).
Genome position (GRCh38, 1-based): chr22:31,768,830, A>G. VCF-style: chr22-31768830-A-G. GRCh37 (hg19) VCF-style: chr22-32164816-A-G.
Other names: c.380A>G, p.Tyr127Cys (NM_001007188.4, NM_001136029.4, NM_001242897.2 and 7 more transcripts); c.296A>G, p.Tyr99Cys (NM_001369901.1, NM_001369902.1); short protein forms Y127C, Y99C.
Identifiers: ClinVar variation 447245 (VCV000447245.14), dbSNP rs370881336, ClinGen allele CA10195943.
Genomic context (GRCh38, chr22:31,768,830, plus strand): 5'-CTCCCTCCCTCCCTCTCTCTACCCCTCTCTCCCCCTCCTCTTAGGTCAGCACATGTGCCT[A>G]TATCACCCAGAAGGTGGAGTTTGCTGGCATCAGGTAGATATTACATCACTCTTGCCTTAT-3'
Protein context (NP_001229825.1, residues 117-137): LKKSLVSTCA[Tyr127Cys]ITQKVEFAGI